The following is an entry in ClinVar:

NM_001386094.1(AGBL1):c.785A>C (p.Gln262Pro)

Gene: AGBL1 (AGBL carboxypeptidase 1; plus strand). Cytogenetic location: 15q25.3.
Variant type: single nucleotide variant.
Coding change: c.785A>C on transcript NM_001386094.1 (MANE Select); coding-DNA position 785, A replaced by C.
Protein change: p.Gln262Pro; replaces glutamine 262 with proline.
Molecular consequence: missense variant.
Genome position (GRCh38, 1-based): chr15:86,256,902, A>C. VCF-style: chr15-86256902-A-C. GRCh37 (hg19) VCF-style: chr15-86800133-A-C.
Other names: c.785A>C, p.Gln262Pro (NM_152336.4); short protein forms Q262P.
Identifiers: ClinVar variation 2671673 (VCV002671673.1), dbSNP rs1353664602, ClinGen allele CA393404449.

ClinVar aggregate classification (germline): Uncertain significance (1 of 4 stars; one submission).

Conditions:
Corneal dystrophy, Fuchs endothelial, 8 (FECD8). Identifiers: Orphanet 98974, MedGen C3809798, MONDO:0014228, OMIM 615523.

Allele frequency attached by ClinVar (database versions not stated): gnomAD exomes below 0.00001; TOPMed below 0.00001.
gnomAD v4.1: 1 of 1,613,928 alleles (0.000062%); highest among the groups gnomAD compares: Admixed American, 0.0017%; no homozygotes.

Submission:

Neuberg Centre For Genomic Medicine, NCGM
Classification: Uncertain significance for Corneal dystrophy, Fuchs endothelial, 8. Last evaluated: 2023-03-01. Review status: criteria provided, single submitter. Criteria: ACMG Guidelines, 2015. Collection method: clinical testing. Allele origin: germline. Inheritance: Autosomal dominant inheritance. Affected: yes.
Comment: The missense c.785A>C(p.Gln262Pro) variant in AGBL1 gene has not been reported previously as a pathogenic variant nor as a benign variant, to our knowledge. The variant is reported with an allele frequency of 0.0004% in the gnomAD exomes database and is novel (not in any individuals) in 1000 Genomes database. This variant has not been reported to the ClinVar database. The amino acid change p.Gln262Pro in AGBL1 is predicted as conserved by GERP++ and PhyloP across 100 vertebrates. The amino acid Gln at position 262 is changed to a Pro changing protein sequence and it might alter its composition and physico-chemical properties. For these reasons, this variant has been classified as Variant of Uncertain Significance (VUS).